The following is an entry in ClinVar:

ClinVar aggregate classification (germline): Likely pathogenic (1 of 4 stars; one submission).

Submission:

GeneDx
Classification: Likely pathogenic. Last evaluated: 2026-01-31. Review status: criteria provided, single submitter. Criteria: GeneDx Variant Classification Process June 2021. Collection method: clinical testing. Allele origin: germline.
Comment: Frameshift variant predicted to result in protein truncation or nonsense mediated decay in a gene for which loss of function is a known mechanism of disease; Not observed at significant frequency in large population cohorts (gnomAD); Has not been previously published as pathogenic or benign to our knowledge

NM_133261.3(GIPC3):c.63dup (p.Pro22fs)

Gene: GIPC3 (GIPC PDZ domain containing family member 3; plus strand). Cytogenetic location: 19p13.3.
Variant type: Duplication.
Coding change: c.63dup on transcript NM_133261.3 (MANE Select); coding-DNA position 63, one base duplicated (G; older notation c.63dupG).
Protein change: p.Pro22fs; shifts the reading frame from proline 22.
Molecular consequence: frameshift variant.
Genome position (GRCh38, 1-based): chr19:3,585,660, G duplicated. VCF-style (leftmost placement, unchanged base first): chr19-3585659-C-CG. GRCh37 (hg19) VCF-style: chr19-3585657-C-CG.
Other names: c.63dup, p.Pro22fs (NM_001411144.1); short protein forms P22fs.
Identifiers: ClinVar variation 4975750 (VCV004975750.1).